The following is an entry in ClinVar:

ClinVar aggregate classification (germline): Uncertain significance (1 of 4 stars; one submission).

Conditions:
DICER1-related tumor predisposition. Also called: DICER1-related pleuropulmonary blastoma cancer predisposition syndrome; DICER1 syndrome. Identifiers: Orphanet 284343, MedGen C3839822, MONDO:0100216.

Submission:

Labcorp Genetics (formerly Invitae), Labcorp
Classification: Uncertain significance for DICER1-related tumor predisposition. Last evaluated: 2024-08-07. Review status: criteria provided, single submitter. Criteria: Invitae Variant Classification Sherloc (09022015). Collection method: clinical testing. Allele origin: germline.
Comment: This sequence change replaces asparagine, which is neutral and polar, with histidine, which is basic and polar, at codon 92 of the DICER1 protein (p.Asn92His). This variant is not present in population databases (gnomAD no frequency). This variant has not been reported in the literature in individuals affected with DICER1-related conditions. Advanced modeling of protein sequence and biophysical properties (such as structural, functional, and spatial information, amino acid conservation, physicochemical variation, residue mobility, and thermodynamic stability) performed at Invitae indicates that this missense variant is not expected to disrupt DICER1 protein function with a negative predictive value of 80%. In summary, the available evidence is currently insufficient to determine the role of this variant in disease. Therefore, it has been classified as a Variant of Uncertain Significance.

NM_177438.3(DICER1):c.274A>C (p.Asn92His)

Gene: DICER1 (dicer 1, ribonuclease III; minus strand). Cytogenetic location: 14q32.13.
Variant type: single nucleotide variant.
Coding change: c.274A>C on transcript NM_177438.3 (MANE Select); coding-DNA position 274, A replaced by C.
Protein change: p.Asn92His; replaces asparagine 92 with histidine.
Molecular consequence: missense variant. On other transcripts: 5 prime UTR variant (9), non-coding transcript variant (6).
Genome position (GRCh38, 1-based): chr14:95,132,548, T>G on the plus strand (A>C on the coding strand, the complement: DICER1 is on the minus strand). VCF-style: chr14-95132548-T-G. GRCh37 (hg19) VCF-style: chr14-95598885-T-G.
Other names: c.274A>C, p.Asn92His (NM_001195573.1, NM_001271282.3, NM_001291628.2 and 14 more transcripts); c.-1A>C (NM_001395686.1, NM_001395687.1, NM_001395688.1 and 4 more transcripts); c.-185A>C (NM_001395691.1); c.-1295A>C (NM_001395697.1); short protein forms N92H.
Identifiers: ClinVar variation 3683616 (VCV003683616.2).